The following is an entry in ClinVar:

NM_004456.5(EZH2):c.902A>C (p.Asn301Thr)

Gene: EZH2 (enhancer of zeste 2 polycomb repressive complex 2 subunit; minus strand). Cytogenetic location: 7q36.1.
Variant type: single nucleotide variant.
Coding change: c.902A>C on transcript NM_004456.5 (MANE Select); coding-DNA position 902, A replaced by C.
Protein change: p.Asn301Thr; replaces asparagine 301 with threonine.
Molecular consequence: missense variant. On other transcripts: intron variant (4).
Genome position (GRCh38, 1-based): chr7:148,826,459, T>G on the plus strand (A>C on the coding strand, the complement: EZH2 is on the minus strand). VCF-style: chr7-148826459-T-G. GRCh37 (hg19) VCF-style: chr7-148523551-T-G.
Other names: c.865+10A>C (NM_001203248.2, NM_001203249.2); c.775+10A>C (NM_152998.3); c.892+10A>C (NM_001203247.2); short protein forms N301T.
Identifiers: ClinVar variation 4881349 (VCV004881349.2).

ClinVar aggregate classification (germline): Uncertain significance (1 of 4 stars; one submission).

gnomAD v4.1: 1 of 1,574,674 alleles (0.000064%); highest among the groups gnomAD compares: Admixed American, 0.0018%; no homozygotes.

Submission:

Dasa
Classification: Uncertain significance. Last evaluated: 2025-03-31. Review status: criteria provided, single submitter. Criteria: DASA Assertion Criteria. Collection method: clinical testing. Allele origin: germline.
Comment: NM_004456.5(EZH2):c.902A>C (p.Asn301Thr) is a missense variant that results in the substitution of asparagine with threonine. This variant is rare in population databases. Computational prediction algorithms are consistent with a benign effect. The currently available literature and clinical evidence are not sufficient to establish a definitive association between this variant and the reported condition. Therefore, this variant is classified as a variant of uncertain significance.